The following is an entry in ClinVar:

NM_020163.3(SEMA3G):c.553G>A (p.Gly185Arg)

Gene: SEMA3G (semaphorin 3G; minus strand). Cytogenetic location: 3p21.1.
Variant type: single nucleotide variant.
Coding change: c.553G>A on transcript NM_020163.3 (MANE Select); coding-DNA position 553, G replaced by A.
Protein change: p.Gly185Arg; replaces glycine 185 with arginine.
Molecular consequence: missense variant.
Genome position (GRCh38, 1-based): chr3:52,441,688, C>T on the plus strand (G>A on the coding strand, the complement: SEMA3G is on the minus strand). VCF-style: chr3-52441688-C-T. GRCh37 (hg19) VCF-style: chr3-52475704-C-T.
Other names: short protein forms G185R.
Identifiers: ClinVar variation 3357965 (VCV003357965.2).

ClinVar aggregate classification (germline): Uncertain significance (1 of 4 stars; one submission).

Conditions:
SEMA3G-related disorder. Also called: SEMA3G-related condition.

gnomAD v4.1: 110 of 1,612,732 alleles (0.0068%); highest among the groups gnomAD compares: Non-Finnish European, 0.0086%; no homozygotes.

Submission:

PreventionGenetics, part of Exact Sciences
Classification: Uncertain significance for SEMA3G-related condition. Last evaluated: 2026-07-07. Review status: criteria provided, single submitter. Criteria: ACMG Guidelines, 2015. Collection method: clinical testing. Allele origin: germline.
Comment: The SEMA3G c.553G>A variant is predicted to result in the amino acid substitution p.Gly185Arg. This variant is also predicted to create a cryptic splice acceptor site based on available splicing prediction software (SpliceAI, Jaganathan et al. 2019. PubMed ID: 30661751). To our knowledge, this variant has not been reported in the literature. This variant is reported in 0.0039% of alleles in individuals of European (Non-Finnish) descent in gnomAD. At this time, the clinical significance of this variant is uncertain due to the absence of conclusive functional and genetic evidence.